The following is an entry in ClinVar:

ClinVar aggregate classification (germline): Pathogenic (1 of 4 stars; one submission).

Submission:

Labcorp Genetics (formerly Invitae), Labcorp
Classification: Pathogenic. Last evaluated: 2022-03-09. Review status: criteria provided, single submitter. Criteria: Invitae Variant Classification Sherloc (09022015). Collection method: clinical testing. Allele origin: germline.
Comment: For these reasons, this variant has been classified as Pathogenic. This variant has not been reported in the literature in individuals affected with ADAM9-related conditions. This variant is a gross deletion of the genomic region encompassing exon(s) 13-15 of the ADAM9 gene. This deletion is out-of-frame, and is expected to create a premature termination codon and result in an absent or disrupted protein product. Loss-of-function variants in ADAM9 are known to be pathogenic (PMID: 19409519).

Literature cited by the submitters: PubMed 19409519.

NC_000008.10:g.(?_38911980)_(38928942_?)del

Gene: ADAM9 (ADAM metallopeptidase domain 9; plus strand). Cytogenetic location: 8p11.22.
Variant type: Deletion.
Identifiers: ClinVar variation 2424769 (VCV002424769.4).